The following is an entry in ClinVar:

NM_001367721.1(CASK):c.1234-1G>C

Gene: CASK (calcium/calmodulin dependent serine protein kinase; minus strand). Cytogenetic location: Xp11.4.
Variant type: single nucleotide variant.
Coding change: c.1234-1G>C on transcript NM_001367721.1 (MANE Select); the canonical splice acceptor site of the intron before coding-DNA position 1234, G replaced by C.
Molecular consequence: splice acceptor variant.
Genome position (GRCh38, 1-based): chrX:41,586,988, C>G on the plus strand (G>C on the coding strand, the complement: CASK is on the minus strand). VCF-style: chrX-41586988-C-G. GRCh37 (hg19) VCF-style: chrX-41446241-C-G.
Other names: c.1216-1G>C (NM_001126055.3, NM_001410745.1); c.1234-1G>C (NM_001126054.3, NM_003688.4).
Identifiers: ClinVar variation 4291837 (VCV004291837.1).

ClinVar aggregate classification (germline): Likely pathogenic (1 of 4 stars; one submission).

Conditions:
Syndromic X-linked intellectual disability Najm type (MICPCH). Also called: MICPCH SYNDROME; Intellectual developmental disorder and microcephaly with pontine and cerebellar hypoplasia; Intellectual Disability and Microcephaly with Pontine and Cerebellar Hypoplasia; Mental retardation and microcephaly with pontine and cerebellar hypoplasia; MENTAL RETARDATION, X-LINKED, SYNDROMIC, NAJM TYPE; Intellectual Disability and Microcephaly with Pontine and Cerebellar Hypoplasia (MICPCH). Identifiers: Orphanet 163937, MedGen C2677903, MONDO:0010417, OMIM 300749.

Submission:

3billion
Classification: Likely pathogenic for Syndromic X-linked intellectual disability Najm type. Last evaluated: 2024-08-28. Review status: criteria provided, single submitter. Criteria: ACMG Guidelines, 2015. Collection method: clinical testing. Allele origin: germline. Affected: yes.
Comment: The variant is not observed in the gnomAD v4.0.0 dataset. Predicted Consequence/Location: Canonical splice site: predicted to alter splicing and result in a loss or disruption of normal protein function. Multiple pathogenic loss-of-function variants are reported downstream of the variant. In silico tools predict the variant to alter splicing and produce an abnormal transcript [SpliceAI: 0.91 (spliceogenicity >=0.2, non-spliceogenicity <0.1)]. Therefore, this variant is classified as Likely pathogenic according to the recommendation of ACMG/AMP guideline.